The following is an entry in ClinVar:

ClinVar aggregate classification (germline): Uncertain significance (1 of 4 stars; one submission).

Conditions:
Cardiomyopathy (CMYO). Also called: Cardiomyopathies. Identifiers: Orphanet 167848, MedGen C0878544, MONDO:0004994, HP:0001638. Inheritance: Various modes of inheritance.

Submission:

All of Us Research Program, National Institutes of Health
Classification: Uncertain significance for Cardiomyopathy. Last evaluated: 2023-09-17. Review status: criteria provided, single submitter. Criteria: ACMG Guidelines, 2015. Collection method: clinical testing. Allele origin: germline. Inheritance: Autosomal dominant inheritance. Observed: 1 variant allele, 1 heterozygote.
Comment: This missense variant replaces alanine with valine at codon 1690 of the MYH7 protein. Computational prediction suggests that this variant may not impact protein structure and function (internally defined REVEL score threshold <= 0.5, PMID: 27666373). To our knowledge, functional studies have not been reported for this variant. This variant has not been reported in individuals affected with MYH7-related disorders in the literature. This variant has been identified in 1/251306 chromosomes in the general population by the Genome Aggregation Database (gnomAD). The available evidence is insufficient to determine the role of this variant in disease conclusively. Therefore, this variant is classified as a Variant of Uncertain Significance.

This study involves interpretation of variants in research participants for the purpose of population health screening. Participant phenotype was not available at the time of variant classification. Additional details can be found in publication PMID: 35346344, PMCID: PMC8962531

NM_000257.4(MYH7):c.5069C>T (p.Ala1690Val)

Genes: MHRT (myosin heavy chain associated RNA transcript; plus strand), MYH7 (myosin heavy chain 7; minus strand), LOC126861897 (BRD4-independent group 4 enhancer GRCh37_chr14:23884455-23885654; plus strand). Cytogenetic location: 14q11.2.
Variant type: single nucleotide variant.
Coding change: c.5069C>T on transcript NM_000257.4 (MANE Select); coding-DNA position 5069, C replaced by T.
Protein change: p.Ala1690Val; replaces alanine 1690 with valine.
Molecular consequence: missense variant. On other transcripts: non-coding transcript variant (1).
Genome position (GRCh38, 1-based): chr14:23,415,717, G>A on the plus strand (C>T on the coding strand, the complement: MYH7 is on the minus strand). VCF-style: chr14-23415717-G-A. GRCh37 (hg19) VCF-style: chr14-23884926-G-A.
Other names: c.5069C>T, p.Ala1690Val (NM_001407004.1); short protein forms A1690V.
Identifiers: ClinVar variation 3073483 (VCV003073483.1), dbSNP rs1211929659, ClinGen allele CA389037025.